The following is an entry in ClinVar:

ClinVar aggregate classification (germline): Conflicting classifications of pathogenicity. Review status: criteria provided, conflicting classifications (1 of 4 stars). 2 submissions from 2 submitters: Uncertain significance (1); Likely benign (1). Last evaluated 2025-03-19.

Conditions:
AP3D1-related disorder. Also called: AP3D1-related condition.

gnomAD v4.1: 7 of 1,613,598 alleles (0.00043%); highest among the groups gnomAD compares: Non-Finnish European, 0.00059%; no homozygotes.

Submissions (2):

PreventionGenetics, part of Exact Sciences
Classification: Likely benign for AP3D1-related condition. Last evaluated: 2025-03-19. Review status: criteria provided, single submitter. Criteria: ACMG Guidelines, 2015. Collection method: clinical testing. Allele origin: germline.
Comment: This variant is classified as likely benign based on ACMG/AMP sequence variant interpretation guidelines (Richards et al. 2015 PMID: 25741868, with internal and published modifications).

Labcorp Genetics (formerly Invitae), Labcorp
Classification: Uncertain significance. Last evaluated: 2024-10-17. Review status: criteria provided, single submitter. Criteria: Invitae Variant Classification Sherloc (09022015). Collection method: clinical testing. Allele origin: germline.
Comment: This sequence change falls in intron 24 of the AP3D1 gene. It does not directly change the encoded amino acid sequence of the AP3D1 protein. It affects a nucleotide within the consensus splice site. This variant is not present in population databases (gnomAD no frequency). This variant has not been reported in the literature in individuals affected with AP3D1-related conditions. Variants that disrupt the consensus splice site are a relatively common cause of aberrant splicing (PMID: 17576681, 9536098). Algorithms developed to predict the effect of sequence changes on RNA splicing suggest that this variant is not likely to affect RNA splicing. In summary, the available evidence is currently insufficient to determine the role of this variant in disease. Therefore, it has been classified as a Variant of Uncertain Significance.

Literature cited by the submitters: PubMed 17576681 (cited by Labcorp Genetics (formerly Invitae), Labcorp); PubMed 9536098 (cited by Labcorp Genetics (formerly Invitae), Labcorp).

NM_001261826.3(AP3D1):c.2788-3C>T

Gene: AP3D1 (adaptor related protein complex 3 subunit delta 1; minus strand). Cytogenetic location: 19p13.3.
Variant type: single nucleotide variant.
Coding change: c.2788-3C>T on transcript NM_001261826.3 (MANE Select); 3 bases into the intron before coding-DNA position 2788, C replaced by T.
Molecular consequence: intron variant.
Genome position (GRCh38, 1-based): chr19:2,111,831, G>A on the plus strand (C>T on the coding strand, the complement: AP3D1 is on the minus strand). VCF-style: chr19-2111831-G-A. GRCh37 (hg19) VCF-style: chr19-2111830-G-A.
Other names: c.2788-3C>T (NM_001261826.1); c.2602-3C>T (NM_003938.8); c.2752-3C>T (NM_001374799.1).
Identifiers: ClinVar variation 3603398 (VCV003603398.3).
Genomic context (GRCh38, chr19:2,111,831, plus strand): 5'-CTTTGGTCCGCTCCTCCTTCTCCTTCCTGTGCTTCTTCTTCTTAGGCTTGGGAGATTTCT[G>A]GAGCAAGAGGAGGGTCGGGTTCAGTGCCCAGGCTGCTCCAGCACGCCCCCATCACAGTGT-3'